The following is an entry in ClinVar:

NM_000430.4(PAFAH1B1):c.-191+19575G>A

Gene: PAFAH1B1 (platelet activating factor acetylhydrolase 1b regulatory subunit 1; plus strand). Cytogenetic location: 17p13.3.
Variant type: single nucleotide variant.
Coding change: c.-191+19575G>A on transcript NM_000430.4 (MANE Select); 19575 bases into the intron after 191 bases upstream of the start codon, G replaced by A.
Molecular consequence: intron variant.
Genome position (GRCh38, 1-based): chr17:2,613,581, G>A. VCF-style: chr17-2613581-G-A. GRCh37 (hg19) VCF-style: chr17-2516875-G-A.
Identifiers: ClinVar variation 2647220 (VCV002647220.24), dbSNP rs554857059, ClinGen allele CA286566246.
Genomic context (GRCh38, chr17:2,613,581, plus strand): 5'-TGGCCACCTGGGCCTGGGTCTTGAGGGCAGGCCCCAGCTTCAACCCCGTGGTGGTCAGCG[G>A]GTGCTCCCCCGTCAGCAGTGGCAGGGTCTCCCCTTCGATCCCCTGCTCCCTGAAGACCTG-3'

ClinVar aggregate classification (germline): Benign (1 of 4 stars; one submission).

Allele frequency attached by ClinVar (database versions not stated): TOPMed 0.00041; gnomAD exomes 0.00047; gnomAD 0.00057; 1000 Genomes Project 0.00060; 1000 Genomes Project 30x 0.00062.
gnomAD v4.1: 148 of 281,802 alleles (0.053%); highest among the groups gnomAD compares: South Asian, 0.37%; no homozygotes.

Submission:

CeGaT Center for Human Genetics Tuebingen
Classification: Benign. Last evaluated: 2022-05-01. Review status: criteria provided, single submitter. Criteria: CeGaT Center For Human Genetics Tuebingen Variant Classification Criteria Version 2. Collection method: clinical testing. Allele origin: germline. Affected: yes. Observed: 1 variant allele.
Comment: PAFAH1B1: BS1, BS2